The following is an entry in ClinVar:

NM_000059.4(BRCA2):c.1897A>G (p.Asn633Asp)

Gene: BRCA2 (BRCA2 DNA repair associated; plus strand). Cytogenetic location: 13q13.1.
Variant type: single nucleotide variant.
Coding change: c.1897A>G on transcript NM_000059.4 (MANE Select); coding-DNA position 1897, A replaced by G.
Protein change: p.Asn633Asp; replaces asparagine 633 with aspartic acid.
Molecular consequence: missense variant.
Genome position (GRCh38, 1-based): chr13:32,333,375, A>G. VCF-style: chr13-32333375-A-G. GRCh37 (hg19) VCF-style: chr13-32907512-A-G.
Other names: c.1897A>G (NM_000059.3); short protein forms N633D.
Identifiers: ClinVar variation 2002162 (VCV002002162.10), dbSNP rs2137476122, ClinGen allele CA387766797.
Genomic context (GRCh38, chr13:32,333,375, plus strand): 5'-CTAATTAACTGTTCAGCCCAGTTTGAAGCAAATGCTTTTGAAGCACCACTTACATTTGCA[A>G]ATGCTGATTCAGGTACCTCTGTCTTTTTTTTTTTGTAAATAGTACATATAGTTTTATAGA-3'
Protein context (NP_000050.3, residues 623-643): NAFEAPLTFA[Asn633Asp]ADSGLLHSSV

ClinVar aggregate classification (germline): Conflicting classifications of pathogenicity. Review status: criteria provided, conflicting classifications (1 of 4 stars). 6 submissions from 6 submitters: Uncertain significance (4); Likely benign (2). Last evaluated 2025-11-19.

Conditions:
Familial pancreatic carcinoma. Identifiers: Orphanet 1333, MedGen C2931038, MONDO:0015278, OMIM 260350.
Hereditary breast ovarian cancer syndrome. Also called: BRCA1- and BRCA2-Associated Hereditary Breast and Ovarian Cancer; Hereditary breast and ovarian cancer syndrome (HBOC); Hereditary breast and/or ovarian cancer syndrome; Hereditary breast and ovarian cancer; Breast and ovarian cancer; Hereditary breast and ovarian cancer syndrome. Identifiers: Orphanet 145, MedGen C0677776, MeSH D061325, MONDO:0003582. Disease mechanism: loss of function.
Hereditary cancer-predisposing syndrome. Also called: Hereditary neoplastic syndrome; Hereditary Cancer Syndrome; Tumor predisposition; Neoplastic Syndromes, Hereditary. Identifiers: Orphanet 140162, MedGen C0027672, MeSH D009386, MONDO:0015356.

Submissions (6):

Ambry Genetics
Classification: Uncertain significance for Hereditary cancer-predisposing syndrome. Last evaluated: 2025-11-19. Review status: criteria provided, single submitter. Criteria: Ambry Variant Classification Scheme 2023. Collection method: clinical testing. Allele origin: germline.
Comment: The p.N633D variant (also known as c.1897A>G), located in coding exon 9 of the BRCA2 gene, results from an A to G substitution at nucleotide position 1897. The asparagine at codon 633 is replaced by aspartic acid, an amino acid with highly similar properties. This amino acid position is not well conserved in available vertebrate species. In addition, this alteration is predicted to be tolerated by in silico analysis. Since supporting evidence is limited at this time, the clinical significance of this alteration remains unclear.

Quest Diagnostics Nichols Institute San Juan Capistrano
Classification: Uncertain significance. Last evaluated: 2025-07-22. Review status: criteria provided, single submitter. Criteria: Quest Diagnostics criteria. Collection method: clinical testing. Allele origin: unknown.
Comment: The BRCA2 c.1897A>G (p.Asn633Asp) variant has been reported in the published literature as likely benign in a multifactorial likelihood analysis (PMID: 31131967 (2019)), and is located in a region of the BRCA2 gene that is described as tolerant to missense sequence changes (PMID: 31911673 (2020)). This variant has not been reported in large, multi-ethnic general populations (Genome Aggregation Database). Analysis of this variant using bioinformatics tools for the prediction of the effect of amino acid changes on protein structure and function yielded predictions that this variant is benign. Based on the available information, we are unable to determine the clinical significance of this variant.

Color Diagnostics, LLC DBA Color Health
Classification: Uncertain significance for Hereditary cancer-predisposing syndrome. Last evaluated: 2025-06-12. Review status: criteria provided, single submitter. Criteria: ACMG Guidelines, 2015. Collection method: clinical testing. Allele origin: germline.
Comment: This missense variant replaces asparagine with aspartic acid at codon 633 of the BRCA2 protein. Computational prediction suggests that this variant may not impact protein structure and function. To our knowledge, functional studies have not been reported for this variant. A multifactorial analysis has reported likelihood ratios based on co-occurrence with a pathogenic variant and family history of 0.0410 and 5.240, respectively (PMID: 31131967). This variant has not been identified in the general population by the Genome Aggregation Database (gnomAD). The available evidence is insufficient to determine the role of this variant in disease conclusively. Therefore, this variant is classified as a Variant of Uncertain Significance.

Department of Pathology and Laboratory Medicine, Sinai Health System
Classification: Likely benign for Familial pancreatic carcinoma. Last evaluated: 2024-05-02. Review status: criteria provided, single submitter. Criteria: ACMG Guidelines, 2015. Collection method: clinical testing. Allele origin: germline. Affected: yes.

University of Washington Department of Laboratory Medicine, University of Washington
Classification: Likely benign for Hereditary cancer-predisposing syndrome. Last evaluated: 2023-03-23. Review status: criteria provided, single submitter. Criteria: Dines et al. (Genet Med. 2020). Collection method: curation. Allele origin: germline.
Comment: Missense variant in a coldspot region where missense variants are very unlikely to be pathogenic (PMID:31911673).

BRCA2 exon 10 coldspot. Reclassification based on statistical prior probability.

Labcorp Genetics (formerly Invitae), Labcorp
Classification: Uncertain significance for Hereditary breast ovarian cancer syndrome. Last evaluated: 2022-09-20. Review status: criteria provided, single submitter. Criteria: Invitae Variant Classification Sherloc (09022015). Collection method: clinical testing. Allele origin: germline.
Comment: In summary, the available evidence is currently insufficient to determine the role of this variant in disease. Therefore, it has been classified as a Variant of Uncertain Significance. Advanced modeling of protein sequence and biophysical properties (such as structural, functional, and spatial information, amino acid conservation, physicochemical variation, residue mobility, and thermodynamic stability) performed at Invitae indicates that this missense variant is not expected to disrupt BRCA2 protein function. This variant has not been reported in the literature in individuals affected with BRCA2-related conditions. This variant is not present in population databases (gnomAD no frequency). This sequence change replaces asparagine, which is neutral and polar, with aspartic acid, which is acidic and polar, at codon 633 of the BRCA2 protein (p.Asn633Asp).

Literature cited by the submitters: PubMed 31911673 (cited by Quest Diagnostics Nichols Institute San Juan Capistrano); PubMed 31131967 (cited by Quest Diagnostics Nichols Institute San Juan Capistrano and Color Diagnostics, LLC DBA Color Health).